The following is an entry in ClinVar:

NM_000257.4(MYH7):c.2011C>T (p.Arg671Cys)

Gene: MYH7 (myosin heavy chain 7; minus strand). Cytogenetic location: 14q11.2.
Variant type: single nucleotide variant.
Coding change: c.2011C>T on transcript NM_000257.4 (MANE Select); coding-DNA position 2011, C replaced by T.
Protein change: p.Arg671Cys; replaces arginine 671 with cysteine.
Molecular consequence: missense variant.
Genome position (GRCh38, 1-based): chr14:23,426,810, G>A on the plus strand (C>T on the coding strand, the complement: MYH7 is on the minus strand). VCF-style: chr14-23426810-G-A. GRCh37 (hg19) VCF-style: chr14-23896019-G-A.
Other names: short protein forms R671C.
Identifiers: ClinVar variation 164350 (VCV000164350.43), dbSNP rs727503263, ClinGen allele CA011560.
Genomic context (GRCh38, chr14:23,426,810, plus strand): 5'-TGGGTTGGCCTGAGTTTGTGGCCTCACCTGGAGACTTTGTCTCATTAGGGATGATACAAC[G>A]TACAAAGTGGGGATGGGTGGAGCGCAAGTTGGTCATCAGCTTGTTCAGATTTTCCTGTGG-3'
Protein context (NP_000248.2, residues 661-681): NLRSTHPHFV[Arg671Cys]CIIPNETKSP

ClinVar aggregate classification (germline): Pathogenic/Likely pathogenic. Review status: criteria provided, multiple submitters, no conflicts (2 of 4 stars). 14 submissions from 14 submitters: Pathogenic (8); Likely pathogenic (6). Last evaluated 2026-05-11.

Conditions:
Cardiovascular phenotype. Identifiers: MedGen CN230736.
Cardiomyopathy (CMYO). Also called: Cardiomyopathies. Identifiers: Orphanet 167848, MedGen C0878544, MONDO:0004994, HP:0001638. Inheritance: Various modes of inheritance.
Hypertrophic cardiomyopathy 1 (CMH1). Also called: Familial hypertrophic cardiomyopathy 1; MYH7-Related Familial Hypertrophic Cardiomyopathy. Identifiers: MedGen C3495498, MONDO:0008647, OMIM 192600.
Hypertrophic cardiomyopathy. Also called: HYPERTROPHIC MYOCARDIOPATHY. Identifiers: Orphanet 217569, MedGen C0007194, MeSH D002312, MONDO:0005045, HP:0001639.
Congenital myopathy with fiber type disproportion. Also called: Congenital fiber-type disproportion myopathy; Congenital fiber-type disproportion. Identifiers: Orphanet 2020, MedGen C0546264, MONDO:0009711. Inheritance: all.

gnomAD v4.1: 1 of 1,614,146 alleles (0.000062%); highest among the groups gnomAD compares: Non-Finnish European, 0.000085%; no homozygotes.

Submissions 1 to 7 of 14:

Molecular Diagnostic Laboratory for Inherited Cardiovascular Disease, Montreal Heart Institute
Classification: Pathogenic for Cardiovascular phenotype. Last evaluated: 2026-05-11. Review status: criteria provided, single submitter. Criteria: ACMG Guidelines, 2015. Collection method: clinical testing. Allele origin: germline. Affected: yes.

Labcorp Genetics (formerly Invitae), Labcorp
Classification: Pathogenic for Hypertrophic cardiomyopathy. Last evaluated: 2026-01-07. Review status: criteria provided, single submitter. Criteria: Invitae Variant Classification Sherloc (09022015). Collection method: clinical testing. Allele origin: germline.
Comment: This sequence change replaces arginine, which is basic and polar, with cysteine, which is neutral and slightly polar, at codon 671 of the MYH7 protein (p.Arg671Cys). This variant is not present in population databases (gnomAD no frequency). This missense change has been observed in individuals with hypertrophic cardiomyopathy (PMID: 12707239, 12820698, 25132132, 27532257; internal data). ClinVar contains an entry for this variant (Variation ID: 164350). Invitae Evidence Modeling of protein sequence and biophysical properties (such as structural, functional, and spatial information, amino acid conservation, physicochemical variation, residue mobility, and thermodynamic stability) indicates that this missense variant is expected to disrupt MYH7 protein function with a positive predictive value of 95%. Algorithms developed to predict the effect of sequence changes on RNA splicing suggest that this variant may disrupt the consensus splice site. This variant is found within a region of MYH7 between codons 181 and 937 that contains the majority of the myosin head domain. Missense variants in this region have been shown to be significantly overrepresented in individuals with hypertrophic cardiomyopathy (PMID: 27532257). For these reasons, this variant has been classified as Pathogenic.

Victorian Clinical Genetics Services, Murdoch Childrens Research Institute
Classification: Pathogenic for Hypertrophic cardiomyopathy 1. Last evaluated: 2025-09-30. Review status: criteria provided, single submitter. Criteria: ACMG Guidelines, 2015. Collection method: clinical testing. Allele origin: germline. Affected: yes.
Comment: This variant is classified as Pathogenic. Evidence in support of pathogenic classification: Variant is present in gnomAD <0.001 for a dominant condition (v4: 1 heterozygote(s), 0 homozygote(s)); This variant has strong previous evidence of pathogenicity in unrelated individuals. This variant has been classified as likely pathogenic/pathogenic by many clinical laboratories in ClinVar. It has also been detected in individuals from HCM cohorts. Additionally, it has been reported in the literature in two individuals with HCM (PMID: 34345284); Variant is located in a hotspot region or cluster of pathogenic variants. This variant is found within the head region, which is enriched with pathogenic missense variants (PMID: 29300372); Missense variant predicted to be damaging by in silico tool(s) or highly conserved with a major amino acid change. Additional information: Variant is predicted to result in a missense amino acid change from Arg to Cys; This variant is heterozygous; This gene is associated with both recessive and dominant disease. Disease associated with this gene usually has autosomal dominant inheritance; however, a recessive inheritance pattern has been observed in severe cases (OMIM); Alternative amino acid change(s) at the same position are present in gnomAD (Highest allele count: v4: 2 heterozygote(s), 0 homozygote(s)); The mechanism of disease for this gene is not clearly established; however, missense variants have been proposed to act in a dominant negative manner (PMID: 24714796); The condition associated with this gene has incomplete penetrance (PMID: 29300372); Inheritance information for this variant is not currently available in this individual.

Color Diagnostics, LLC DBA Color Health
Classification: Likely pathogenic for Cardiomyopathy. Last evaluated: 2025-06-03. Review status: criteria provided, single submitter. Criteria: ACMG Guidelines, 2015. Collection method: clinical testing. Allele origin: germline.
Comment: This missense variant replaces arginine with cysteine at codon 671 of the MYH7 protein. This variant is found within a highly conserved region of the myosin head domain. Missense variants in this region have been shown to be significantly overrepresented in individuals with affected with hypertrophic cardiomyopathy (PMID: 27532257). Computational prediction suggests that this variant may have a deleterious impact on protein structure and function. To our knowledge, functional studies have not been reported for this variant. This variant has been reported in more than ten individuals affected with hypertrophic cardiomyopathy (PMID: 12707239, 12820698, 25132132, 25611685, 27532257, 27885498, 31941943, 34345284, 35176171). This variant has not been identified in the general population by the Genome Aggregation Database (gnomAD). It has been shown that this variant segregates with disease in three affected individuals from one family (PMID: 34345284). A different variant affecting the same codon, p.Arg671His, is considered to be disease-causing (ClinVar variation ID: 181357), suggesting that arginine at this position is important for MYH7 protein function. Based on the available evidence, this variant is classified as Likely Pathogenic.

CeGaT Center for Human Genetics Tuebingen
Classification: Likely pathogenic. Last evaluated: 2025-03-01. Review status: criteria provided, single submitter. Criteria: CeGaT Center For Human Genetics Tuebingen Variant Classification Criteria Version 2. Collection method: clinical testing. Allele origin: germline. Affected: yes. Observed: 2 variant alleles.
Comment: MYH7: PM1, PM2, PM5, PS4:Moderate, PP3

Ambry Genetics
Classification: Pathogenic for Cardiovascular phenotype. Last evaluated: 2024-10-31. Review status: criteria provided, single submitter. Criteria: Ambry Variant Classification Scheme 2023. Collection method: clinical testing. Allele origin: germline.
Comment: The p.R671C pathogenic mutation (also known as c.2011C>T), located in coding exon 16 of the MYH7 gene, results from a C to T substitution at nucleotide position 2011. The arginine at codon 671 is replaced by cysteine, an amino acid with highly dissimilar properties. This alteration is located in the myosin head domain, which contains a statistically significant clustering of pathogenic missense variants (Homburger JR et al. Proc Natl Acad Sci U S A, 2016 06;113:6701-6; Walsh R et al. Genet Med, 2017 02;19:192-203; Ambry internal data). This variant was identified in one or more individuals with features consistent with hypertrophic cardiomyopathy, including a de novo occurrence, and segregated with disease in at least one family (Mohiddin SA et al. Genet Test. 2003;7(1):21-7; Richard P et al. Circulation. 2003;107(17):2227-32; Wang J et al. Eur J Heart Fail. 2014; 16(9):950-7; Alfares AA et al. Genet. Med., 2015 Nov;17:880-8; Chida A et al. Heart Vessels. 2017;32:700-707; Walsh R et al. Genet. Med. 2017;19:192-203, Zhao S et al. J. Med. Genet., 2020 May;0:1-7; Ambry internal data). This amino acid position is highly conserved in available vertebrate species. In addition, this alteration is predicted to be deleterious by in silico analysis. This variant is considered to be rare based on population cohorts in the Genome Aggregation Database (gnomAD). Based on the supporting evidence, this variant is interpreted as a disease-causing mutation.

CHEO Genetics Diagnostic Laboratory, Children's Hospital of Eastern Ontario
Classification: Pathogenic for Cardiomyopathy. Last evaluated: 2024-09-18. Review status: criteria provided, single submitter. Criteria: ACMG Guidelines, 2015. Collection method: clinical testing. Allele origin: germline. Inheritance: Autosomal dominant inheritance. Study: Canadian Open Genetics Repository.
Comment: The c.2011C>T variant in MYH7 causes an amino acid substitution, which replaces arginine with cysteine at position 671. It has not been reported in control populations in the Genome Aggregation Database (gnomAD). It has been previously reported in at least 15 apparently unrelated individuals with hypertrophic cardiomyopathy (PMID 12707239, 12820698, 25132132, 27532257, 27885498, 34345284, 33769460, and others, ClinVar database; CHEO internal data). This variant was reported to segregate with disease in at least four families (PMID 27885498, 34345284, ClinVar database). It was also reported as de novo with unconfirmed parental relationship in an individual with cardiac hypertrophy (PMID 32381727). This variant is located within the head region (codons 181-937) of the Myosin-7 protein (NM_000257.2; NP_000248.2), where MYH7 pathogenic variants are significantly clustered (PMID 29300372). The Arg671 residue is highly conserved across evolutionarily distant species. In silico analysis programs (SIFT, PolyPhen-2, Mutation Taster) predict this variant to have an impact on the protein function. This variant is listed in ClinVar (VCV000164350). Based on the above information, we categorize this variant as pathogenic.